The following is an entry in ClinVar:

ClinVar aggregate classification (germline): Uncertain significance (1 of 4 stars; one submission).

Submission:

Labcorp Genetics (formerly Invitae), Labcorp
Classification: Uncertain significance. Last evaluated: 2024-02-12. Review status: criteria provided, single submitter. Criteria: Invitae Variant Classification Sherloc (09022015). Collection method: clinical testing. Allele origin: germline.
Comment: This sequence change replaces threonine, which is neutral and polar, with isoleucine, which is neutral and non-polar, at codon 181 of the C1S protein (p.Thr181Ile). This variant is not present in population databases (gnomAD no frequency). This variant has not been reported in the literature in individuals affected with C1S-related conditions. Advanced modeling of protein sequence and biophysical properties (such as structural, functional, and spatial information, amino acid conservation, physicochemical variation, residue mobility, and thermodynamic stability) performed at Invitae indicates that this missense variant is expected to disrupt C1S protein function with a positive predictive value of 80%. In summary, the available evidence is currently insufficient to determine the role of this variant in disease. Therefore, it has been classified as a Variant of Uncertain Significance.

NM_001734.5(C1S):c.542C>T (p.Thr181Ile)

Gene: C1S (complement C1s; plus strand). Cytogenetic location: 12p13.31.
Variant type: single nucleotide variant.
Coding change: c.542C>T on transcript NM_001734.5 (MANE Select); coding-DNA position 542, C replaced by T.
Protein change: p.Thr181Ile; replaces threonine 181 with isoleucine.
Molecular consequence: missense variant.
Genome position (GRCh38, 1-based): chr12:7,065,124, C>T. VCF-style: chr12-7065124-C-T. GRCh37 (hg19) VCF-style: chr12-7172428-C-T.
Other names: c.41C>T, p.Thr14Ile (NM_001346850.2); c.542C>T, p.Thr181Ile (NM_201442.4); short protein forms T14I, T181I.
Identifiers: ClinVar variation 3638241 (VCV003638241.2).
Genomic context (GRCh38, chr12:7,065,124, plus strand): 5'-TGTATTTGATTCTCCCTTTCTCTTTTTCTCTGTTAGTTAATTGCAGTGGGGATGTATTCA[C>T]TGCACTGATTGGGGAGATTGCAAGTCCCAATTATCCCAAACCATATCCAGAGAACTCAAG-3'
Protein context (NP_001725.1, residues 171-191): CGVNCSGDVF[Thr181Ile]ALIGEIASPN